The following is an entry in ClinVar:

ClinVar aggregate classification (germline): Conflicting classifications of pathogenicity. Review status: criteria provided, conflicting classifications (1 of 4 stars). 2 submissions from 2 submitters: Likely pathogenic (1); Uncertain significance (1). Last evaluated 2022-07-23.

Conditions:
GROWTH HORMONE DEFICIENCY WITH PITUITARY ANOMALIES. Identifiers: MedGen C2750027, OMIM 182230.
Septo-optic dysplasia sequence (SOD). Also called: DE MORSIER SYNDROME; Septo-optic dysplasia. Identifiers: Orphanet 3157, MedGen C0338503, MONDO:0008428, OMIM 182230, HP:0100842.

Submissions (2):

Labcorp Genetics (formerly Invitae), Labcorp
Classification: Uncertain significance for GROWTH HORMONE DEFICIENCY WITH PITUITARY ANOMALIES; Septo-optic dysplasia sequence. Last evaluated: 2022-07-23. Review status: criteria provided, single submitter. Criteria: Invitae Variant Classification Sherloc (09022015). Collection method: clinical testing. Allele origin: germline.
Comment: This sequence change affects the initiator methionine of the HESX1 mRNA. The next in-frame methionine is located at codon 39. In summary, the available evidence is currently insufficient to determine the role of this variant in disease. Therefore, it has been classified as a Variant of Uncertain Significance. ClinVar contains an entry for this variant (Variation ID: 1324528). This variant has not been reported in the literature in individuals affected with HESX1-related conditions. This variant is not present in population databases (gnomAD no frequency).

Revvity Omics, Revvity
Classification: Likely pathogenic for Septo-optic dysplasia sequence. Last evaluated: 2019-11-15. Review status: criteria provided, single submitter. Criteria: ACMG Guidelines, 2015. Collection method: clinical testing. Allele origin: germline.

NM_003865.3(HESX1):c.3G>A (p.Met1Ile)

Gene: HESX1 (HESX homeobox 1; minus strand). Cytogenetic location: 3p14.3.
Variant type: single nucleotide variant.
Coding change: c.3G>A on transcript NM_003865.3 (MANE Select); coding-DNA position 3, G replaced by A.
Protein change: p.Met1Ile; changes the start codon (methionine 1).
Molecular consequence: missense variant, initiator codon variant.
Genome position (GRCh38, 1-based): chr3:57,199,916, C>T on the plus strand (G>A on the coding strand, the complement: HESX1 is on the minus strand). VCF-style: chr3-57199916-C-T. GRCh37 (hg19) VCF-style: chr3-57233944-C-T.
Other names: c.3G>A, p.Met1Ile (NM_001376058.1, NM_001376059.1, NM_001376060.1 and 1 more transcripts); short protein forms M1I.
Identifiers: ClinVar variation 1324528 (VCV001324528.9), dbSNP rs2107566038, ClinGen allele CA353402247.